The following is an entry in ClinVar:

NM_019109.5(ALG1):c.262T>G (p.Leu88Val)

Gene: ALG1 (ALG1 chitobiosyldiphosphodolichol beta-mannosyltransferase; plus strand). Cytogenetic location: 16p13.3.
Variant type: single nucleotide variant.
Coding change: c.262T>G on transcript NM_019109.5 (MANE Select); coding-DNA position 262, T replaced by G.
Protein change: p.Leu88Val; replaces leucine 88 with valine.
Molecular consequence: missense variant. On other transcripts: 5 prime UTR variant (1).
Genome position (GRCh38, 1-based): chr16:5,073,004, T>G. VCF-style: chr16-5073004-T-G. GRCh37 (hg19) VCF-style: chr16-5123005-T-G.
Other names: c.-72T>G (NM_001330504.2); short protein forms L88V.
Identifiers: ClinVar variation 195352 (VCV000195352.8), dbSNP rs794727301, ClinGen allele CA277996.

ClinVar aggregate classification (germline): Conflicting classifications of pathogenicity. Review status: criteria provided, conflicting classifications (1 of 4 stars). 3 submissions from 3 submitters: Likely pathogenic (1); Uncertain significance (1). 1 of the submissions does not count toward it. Last evaluated 2022-07-19.

Conditions:
Congenital disorder of glycosylation (CDG). Also called: Carbohydrate-deficient glycoprotein syndrome; Congenital disorders of glycosylation. Identifiers: Orphanet 137, MedGen C0282577, MONDO:0015286.
ALG1-congenital disorder of glycosylation. Also called: ALG1-CDG; CDG Ik; CONGENITAL DISORDER OF GLYCOSYLATION, TYPE Ik. Identifiers: Orphanet 79327, MedGen C2931005, MONDO:0012052, OMIM 608540.

Allele frequency attached by ClinVar (database versions not stated): TOPMed below 0.00001; gnomAD 0.00001.
gnomAD v4.1: 9 of 1,614,048 alleles (0.00056%); highest among the groups gnomAD compares: Non-Finnish European, 0.00076%; no homozygotes.

Submissions (3):

Labcorp Genetics (formerly Invitae), Labcorp
Classification: Uncertain significance for ALG1-congenital disorder of glycosylation. Last evaluated: 2022-07-19. Review status: criteria provided, single submitter. Criteria: Invitae Variant Classification Sherloc (09022015). Collection method: clinical testing. Allele origin: germline.
Comment: This sequence change replaces leucine, which is neutral and non-polar, with valine, which is neutral and non-polar, at codon 88 of the ALG1 protein (p.Leu88Val). This variant is not present in population databases (gnomAD no frequency). This missense change has been observed in individual(s) with clinical features of ALG1-congenital disorder of glycosylation (PMID: 26931382). ClinVar contains an entry for this variant (Variation ID: 195352). Advanced modeling of protein sequence and biophysical properties (such as structural, functional, and spatial information, amino acid conservation, physicochemical variation, residue mobility, and thermodynamic stability) performed at Invitae indicates that this missense variant is not expected to disrupt ALG1 protein function. In summary, the available evidence is currently insufficient to determine the role of this variant in disease. Therefore, it has been classified as a Variant of Uncertain Significance.

Eurofins Ntd Llc (ga)
Classification: Likely pathogenic. Last evaluated: 2015-03-13. Review status: criteria provided, single submitter. Criteria: EGL Classification Definitions 2015. Collection method: clinical testing. Allele origin: germline. Observed: 2 variant alleles, 2 heterozygotes.

University of Washington Center for Mendelian Genomics, University of Washington
Classification: Likely pathogenic for Congenital disorder of glycosylation. Last evaluated: 2017-05-25. Review status: no assertion criteria provided. Collection method: research. Allele origin: unknown. Affected: yes. Not counted in ClinVar's aggregate classification.

Literature cited by the submitters: PubMed 26931382 (cited by Labcorp Genetics (formerly Invitae), Labcorp and University of Washington Center for Mendelian Genomics, University of Washington).